The following is an entry in ClinVar:

NM_013275.6(ANKRD11):c.2684G>A (p.Arg895Gln)

Gene: ANKRD11 (ankyrin repeat domain 11; minus strand). Cytogenetic location: 16q24.3.
Variant type: single nucleotide variant.
Coding change: c.2684G>A on transcript NM_013275.6 (MANE Select); coding-DNA position 2684, G replaced by A.
Protein change: p.Arg895Gln; replaces arginine 895 with glutamine.
Molecular consequence: missense variant.
Genome position (GRCh38, 1-based): chr16:89,283,858, C>T on the plus strand (G>A on the coding strand, the complement: ANKRD11 is on the minus strand). VCF-style: chr16-89283858-C-T. GRCh37 (hg19) VCF-style: chr16-89350266-C-T.
Other names: c.2684G>A, p.Arg895Gln (NM_001256182.2, NM_001256183.2); short protein forms R895Q.
Identifiers: ClinVar variation 430379 (VCV000430379.18), dbSNP rs199800166, ClinGen allele CA8242536.
Genomic context (GRCh38, chr16:89,283,858, plus strand): 5'-TTATCCAAATAGTCCCTGTCCTTCTTTCGGAAGAAGGGCTCTCTGTAGTCTCGCTTCTCC[C>T]GGGCCCGGCTGTCCCGCCTCCTCTCCTTGCTGTCCTCCTTCACCGTCTCCAAGATGAGCT-3'
Protein context (NP_037407.4, residues 885-905): SKERRRDSRA[Arg895Gln]EKRDYREPFF

ClinVar aggregate classification (germline): Conflicting classifications of pathogenicity. Review status: criteria provided, conflicting classifications (1 of 4 stars). 4 submissions from 4 submitters: Uncertain significance (3); Likely benign (1). Last evaluated 2025-04-11.

Conditions:
ANKRD11-related disorder. Also called: ANKRD11-related condition.
Inborn genetic diseases. Identifiers: MedGen C0950123, MeSH D030342.
KBG syndrome (KBGS). Also called: ANKRD11-Related KBG Syndrome. Identifiers: Orphanet 2332, MedGen C0220687, MONDO:0007846, OMIM 148050.

Allele frequency attached by ClinVar (database versions not stated): gnomAD exomes below 0.00001; ExAC 0.00001; gnomAD 0.00014 and 0.00015; 1000 Genomes Project 30x 0.00016; 1000 Genomes Project 0.00020; TOPMed 0.00034.

Submissions (4):

Ambry Genetics
Classification: Likely benign for Inborn genetic diseases. Last evaluated: 2025-04-11. Review status: criteria provided, single submitter. Criteria: Ambry Variant Classification Scheme 2023. Collection method: clinical testing. Allele origin: germline.

Labcorp Genetics (formerly Invitae), Labcorp
Classification: Uncertain significance for KBG syndrome. Last evaluated: 2025-02-01. Review status: criteria provided, single submitter. Criteria: Invitae Variant Classification Sherloc (09022015). Collection method: clinical testing. Allele origin: germline.
Comment: This sequence change replaces arginine, which is basic and polar, with glutamine, which is neutral and polar, at codon 895 of the ANKRD11 protein (p.Arg895Gln). This variant is present in population databases (rs199800166, gnomAD 0.003%). This missense change has been observed in individual(s) with intellectual disability, ataxia and dismorphic facial features (PMID: 30919572). ClinVar contains an entry for this variant (Variation ID: 430379). Invitae Evidence Modeling of protein sequence and biophysical properties (such as structural, functional, and spatial information, amino acid conservation, physicochemical variation, residue mobility, and thermodynamic stability) indicates that this missense variant is not expected to disrupt ANKRD11 protein function with a negative predictive value of 95%. In summary, the available evidence is currently insufficient to determine the role of this variant in disease. Therefore, it has been classified as a Variant of Uncertain Significance.

PreventionGenetics, part of Exact Sciences
Classification: Uncertain significance for ANKRD11-related condition. Last evaluated: 2022-09-26. Review status: criteria provided, single submitter. Criteria: ACMG Guidelines, 2015. Collection method: clinical testing. Allele origin: germline.
Comment: The ANKRD11 c.2684G>A variant is predicted to result in the amino acid substitution p.Arg895Gln. However, conclusive evidence of pathogenicity was not presented. This variant is reported in 0.0029% of alleles in individuals of Latino descent in gnomAD. At this time, the clinical significance of this variant is uncertain due to the absence of conclusive functional and genetic evidence.

GeneDx
Classification: Uncertain significance. Last evaluated: 2021-06-23. Review status: criteria provided, single submitter. Criteria: GeneDx Variant Classification Process June 2021. Collection method: clinical testing. Allele origin: germline. Affected: yes.
Comment: Missense variant in a gene in which most reported pathogenic variants are truncating/loss-of-function; In silico analysis supports that this missense variant does not alter protein structure/function; This variant is associated with the following publications: (PMID: 30919572, 27535533)

Literature cited by the submitters: PubMed 30919572 (cited by Labcorp Genetics (formerly Invitae), Labcorp).